The following is an entry in ClinVar:

ClinVar aggregate classification (germline): Uncertain significance (1 of 4 stars; one submission).

Allele frequency attached by ClinVar (database versions not stated): gnomAD exomes below 0.00001.
gnomAD v4.1: 1 of 1,614,084 alleles (0.000062%); highest among the groups gnomAD compares: Non-Finnish European, 0.000085%; no homozygotes.

Submission:

Ambry Genetics
Classification: Uncertain significance. Last evaluated: 2023-06-03. Review status: criteria provided, single submitter. Criteria: Ambry Variant Classification Scheme 2023. Collection method: clinical testing. Allele origin: germline.
Comment: The p.V216A variant (also known as c.647T>C), located in coding exon 4 of the MNDA gene, results from a T to C substitution at nucleotide position 647. The valine at codon 216 is replaced by alanine, an amino acid with similar properties. This amino acid position is conserved. In addition, this alteration is predicted to be tolerated by in silico analysis. Since supporting evidence is limited at this time, the clinical significance of this alteration remains unclear.

NM_002432.3(MNDA):c.647T>C (p.Val216Ala)

Gene: MNDA (myeloid cell nuclear differentiation antigen; plus strand). Cytogenetic location: 1q23.1.
Variant type: single nucleotide variant.
Coding change: c.647T>C on transcript NM_002432.3 (MANE Select); coding-DNA position 647, T replaced by C.
Protein change: p.Val216Ala; replaces valine 216 with alanine.
Molecular consequence: missense variant.
Genome position (GRCh38, 1-based): chr1:158,845,663, T>C. VCF-style: chr1-158845663-T-C. GRCh37 (hg19) VCF-style: chr1-158815453-T-C.
Other names: short protein forms V216A.
Identifiers: ClinVar variation 2563156 (VCV002563156.2), dbSNP rs751749068, ClinGen allele CA343040906.